The following is an entry in ClinVar:

ClinVar aggregate classification (germline): Uncertain significance. Review status: criteria provided, multiple submitters, no conflicts (2 of 4 stars). 2 submissions from 2 submitters: Uncertain significance (2). Last evaluated 2025-08-19.

Conditions:
Inborn genetic diseases. Identifiers: MedGen C0950123, MeSH D030342.

Allele frequency attached by ClinVar (database versions not stated): ExAC 0.00001; TOPMed 0.00002; gnomAD 0.00003; gnomAD exomes 0.00007; ESP Exome Variant Server 0.00008.
gnomAD v4.1: 119 of 1,613,606 alleles (0.0074%); highest among the groups gnomAD compares: Non-Finnish European, 0.0087%; no homozygotes.

Submissions (2):

Ambry Genetics
Classification: Uncertain significance for Inborn genetic diseases. Last evaluated: 2025-08-19. Review status: criteria provided, single submitter. Criteria: Ambry Variant Classification Scheme 2023. Collection method: clinical testing. Allele origin: germline.

Labcorp Genetics (formerly Invitae), Labcorp
Classification: Uncertain significance. Last evaluated: 2023-10-13. Review status: criteria provided, single submitter. Criteria: Invitae Variant Classification Sherloc (09022015). Collection method: clinical testing. Allele origin: germline.
Comment: This sequence change replaces glutamine, which is neutral and polar, with glutamic acid, which is acidic and polar, at codon 956 of the AP3B2 protein (p.Gln956Glu). This variant is present in population databases (rs369739441, gnomAD 0.004%). This variant has not been reported in the literature in individuals affected with AP3B2-related conditions. ClinVar contains an entry for this variant (Variation ID: 2139708). An algorithm developed to predict the effect of missense changes on protein structure and function (PolyPhen-2) suggests that this variant¬†is likely to be tolerated. In summary, the available evidence is currently insufficient to determine the role of this variant in disease. Therefore, it has been classified as a Variant of Uncertain Significance.

NM_001278512.2(AP3B2):c.2923C>G (p.Gln975Glu)

Genes: AP3B2 (adaptor related protein complex 3 subunit beta 2; minus strand), CPEB1-AS1 (CPEB1 antisense RNA 1; plus strand). Cytogenetic location: 15q25.2.
Variant type: single nucleotide variant.
Coding change: c.2923C>G on transcript NM_001278512.2 (MANE Select); coding-DNA position 2923, C replaced by G.
Protein change: p.Gln975Glu; replaces glutamine 975 with glutamic acid.
Molecular consequence: missense variant.
Genome position (GRCh38, 1-based): chr15:82,661,918, G>C on the plus strand (C>G on the coding strand, the complement: AP3B2 is on the minus strand). VCF-style: chr15-82661918-G-C. GRCh37 (hg19) VCF-style: chr15-83330670-G-C.
Other names: c.2866C>G (NM_004644.3); c.2770C>G, p.Gln924Glu (NM_001278511.2); c.55C>G, p.Gln19Glu (NM_001348441.2); c.2866C>G, p.Gln956Glu (NM_004644.5); short protein forms Q19E, Q956E, Q924E, Q975E.
Identifiers: ClinVar variation 2139708 (VCV002139708.3), dbSNP rs369739441, ClinGen allele CA7699748.